The following is an entry in ClinVar:

ClinVar aggregate classification (germline): Uncertain significance. Review status: criteria provided, multiple submitters, no conflicts (2 of 4 stars). 2 submissions from 2 submitters: Uncertain significance (2). Last evaluated 2025-10-27.

Conditions:
Inborn genetic diseases. Identifiers: MedGen C0950123, MeSH D030342.
LRSAM1-related disorder. Also called: LRSAM1-related condition.

Submissions (2):

PreventionGenetics, part of Exact Sciences
Classification: Uncertain significance for LRSAM1-related condition. Last evaluated: 2025-10-27. Review status: criteria provided, single submitter. Criteria: ACMG Guidelines, 2015. Collection method: clinical testing. Allele origin: germline.
Comment: The LRSAM1 c.2029G>C variant is predicted to result in the amino acid substitution p.Val677Leu. To our knowledge, this variant has not been reported in the literature or in a large population database (gnomAD), indicating this variant is rare. At this time, the clinical significance of this variant is uncertain due to the absence of conclusive functional and genetic evidence.

Ambry Genetics
Classification: Uncertain significance for Inborn genetic diseases. Last evaluated: 2024-08-27. Review status: criteria provided, single submitter. Criteria: Ambry Variant Classification Scheme 2023. Collection method: clinical testing. Allele origin: germline.

NM_001005373.4(LRSAM1):c.2029G>C (p.Val677Leu)

Gene: LRSAM1 (leucine rich repeat and sterile alpha motif containing 1; plus strand). Cytogenetic location: 9q34.11.
Variant type: single nucleotide variant.
Coding change: c.2029G>C on transcript NM_001005373.4 (MANE Select); coding-DNA position 2029, G replaced by C.
Protein change: p.Val677Leu; replaces valine 677 with leucine.
Molecular consequence: missense variant. On other transcripts: non-coding transcript variant (2).
Genome position (GRCh38, 1-based): chr9:127,501,126, G>C. VCF-style: chr9-127501126-G-C. GRCh37 (hg19) VCF-style: chr9-130263405-G-C.
Other names: c.2029G>C, p.Val677Leu (NM_001005374.4, NM_001384142.1, NM_138361.5); c.1948G>C, p.Val650Leu (NM_001190723.3); c.1930G>C, p.Val644Leu (NM_001384143.1); c.1240G>C, p.Val414Leu (NM_001384144.1); short protein forms V644L, V677L, V650L, V414L.
Identifiers: ClinVar variation 3540884 (VCV003540884.2).